The following is an entry in ClinVar:

ClinVar aggregate classification (germline): Uncertain significance (1 of 4 stars; one submission).

gnomAD v4.1: 20 of 1,612,630 alleles (0.0012%); highest among the groups gnomAD compares: South Asian, 0.0066%; no homozygotes.

Submission:

Labcorp Genetics (formerly Invitae), Labcorp
Classification: Uncertain significance. Last evaluated: 2025-04-23. Review status: criteria provided, single submitter. Criteria: Invitae Variant Classification Sherloc (09022015). Collection method: clinical testing. Allele origin: germline.
Comment: This sequence change replaces isoleucine, which is neutral and non-polar, with valine, which is neutral and non-polar, at codon 1093 of the NUP133 protein (p.Ile1093Val). This variant is present in population databases (rs747802143, gnomAD 0.004%). This variant has not been reported in the literature in individuals affected with NUP133-related conditions. An algorithm developed to predict the effect of missense changes on protein structure and function (PolyPhen-2) suggests that this variant is likely to be disruptive. In summary, the available evidence is currently insufficient to determine the role of this variant in disease. Therefore, it has been classified as a Variant of Uncertain Significance.

NM_018230.3(NUP133):c.3277A>G (p.Ile1093Val)

Gene: NUP133 (nucleoporin 133; minus strand). Cytogenetic location: 1q42.13.
Variant type: single nucleotide variant.
Coding change: c.3277A>G on transcript NM_018230.3 (MANE Select); coding-DNA position 3277, A replaced by G.
Protein change: p.Ile1093Val; replaces isoleucine 1093 with valine.
Molecular consequence: missense variant.
Genome position (GRCh38, 1-based): chr1:229,444,971, T>C on the plus strand (A>G on the coding strand, the complement: NUP133 is on the minus strand). VCF-style: chr1-229444971-T-C. GRCh37 (hg19) VCF-style: chr1-229580718-T-C.
Other names: short protein forms I1093V.
Identifiers: ClinVar variation 4754144 (VCV004754144.1).